The following is an entry in ClinVar:

NM_153252.5(BRWD3):c.4631A>G (p.Asn1544Ser)

Gene: BRWD3 (bromodomain and WD repeat domain containing 3; minus strand). Cytogenetic location: Xq21.1.
Variant type: single nucleotide variant.
Coding change: c.4631A>G on transcript NM_153252.5 (MANE Select); coding-DNA position 4631, A replaced by G.
Protein change: p.Asn1544Ser; replaces asparagine 1544 with serine.
Molecular consequence: missense variant.
Genome position (GRCh38, 1-based): chrX:80,681,364, T>C on the plus strand (A>G on the coding strand, the complement: BRWD3 is on the minus strand). VCF-style: chrX-80681364-T-C. GRCh37 (hg19) VCF-style: chrX-79936863-T-C.
Other names: short protein forms N1544S.
Identifiers: ClinVar variation 1801073 (VCV001801073.1), dbSNP rs2520208163, ClinGen allele CA413607221.
Genomic context (GRCh38, chrX:80,681,364, plus strand): 5'-TAAATAATAAATGTCTTGTCCTGTATTTATTTCCTACCTTGTTTAACTGGCAAAACTCTA[T>C]TCCGAAATGATTTGGCTTTCCCTGGGTCATGGCTATTTCCACTTCGGCTATATCCACCGA-3'
Protein context (NP_694984.5, residues 1534-1554): HDPGKAKSFR[Asn1544Ser]RVLPVKQDHS

ClinVar aggregate classification (germline): Uncertain significance (1 of 4 stars; one submission).

Allele frequency attached by ClinVar (database versions not stated): gnomAD exomes below 0.00001.
gnomAD v4.1: 1 of 1,210,862 alleles (0.000083%); highest among the groups gnomAD compares: Non-Finnish European, 0.00011%; no homozygotes.

Submission:

GeneDx
Classification: Uncertain significance. Last evaluated: 2022-05-26. Review status: criteria provided, single submitter. Criteria: GeneDx Variant Classification Process June 2021. Collection method: clinical testing. Allele origin: germline. Affected: yes.
Comment: Not observed at significant frequency in large population cohorts (gnomAD); In silico analysis supports that this missense variant does not alter protein structure/function; Has not been previously published as pathogenic or benign to our knowledge